The following is an entry in ClinVar:

ClinVar aggregate classification (germline): Uncertain significance (1 of 4 stars; one submission).

Conditions:
FNDC3B-related disorder. Also called: FNDC3B-related condition.

Submission:

PreventionGenetics, part of Exact Sciences
Classification: Uncertain significance for FNDC3B-related condition. Last evaluated: 2025-05-10. Review status: criteria provided, single submitter. Criteria: ACMG Guidelines, 2015. Collection method: clinical testing. Allele origin: germline.
Comment: The FNDC3B c.1984C>T variant is predicted to result in the amino acid substitution p.Leu662Phe. To our knowledge, this variant has not been reported in the literature or in a large population database (gnomAD), indicating this variant is rare. At this time, the clinical significance of this variant is uncertain due to the absence of conclusive functional and genetic evidence.

NM_022763.4(FNDC3B):c.1984C>T (p.Leu662Phe)

Gene: FNDC3B (fibronectin type III domain containing 3B; plus strand). Cytogenetic location: 3q26.31.
Variant type: single nucleotide variant.
Coding change: c.1984C>T on transcript NM_022763.4 (MANE Select); coding-DNA position 1984, C replaced by T.
Protein change: p.Leu662Phe; replaces leucine 662 with phenylalanine.
Molecular consequence: missense variant.
Genome position (GRCh38, 1-based): chr3:172,343,023, C>T. VCF-style: chr3-172343023-C-T. GRCh37 (hg19) VCF-style: chr3-172060813-C-T.
Other names: c.1984C>T, p.Leu662Phe (NM_001135095.2); short protein forms L662F.
Identifiers: ClinVar variation 4997364 (VCV004997364.1).